The following is an entry in ClinVar:

ClinVar aggregate classification (germline): Conflicting classifications of pathogenicity. Review status: criteria provided, conflicting classifications (1 of 4 stars). 4 submissions from 4 submitters: Likely pathogenic (1); Uncertain significance (3). Last evaluated 2025-10-20.

Conditions:
Hereditary spastic paraplegia 31. Also called: SPASTIC PARAPLEGIA 31, AUTOSOMAL DOMINANT. Identifiers: Orphanet 101011, MedGen C1853247, MONDO:0012453, OMIM 610250.
Hereditary spastic paraplegia. Also called: Familial spastic paraparesis. Identifiers: Orphanet 685, MedGen C0037773, MONDO:0019064. Disease mechanism: loss of function.

Allele frequency attached by ClinVar (database versions not stated): gnomAD exomes below 0.00001.
gnomAD v4.1: 3 of 1,609,678 alleles (0.00019%); highest among the groups gnomAD compares: Non-Finnish European, 0.00026%; no homozygotes.

Submissions (4):

GeneDx
Classification: Uncertain significance. Last evaluated: 2025-10-20. Review status: criteria provided, single submitter. Criteria: GeneDx Variant Classification Process June 2021. Collection method: clinical testing. Allele origin: germline. Affected: yes.
Comment: Not observed at significant frequency in large population cohorts (gnomAD); In silico analysis supports that this missense variant has a deleterious effect on protein structure/function; Has not been previously published as pathogenic or benign to our knowledge; This variant is associated with the following publications: (PMID: 18321925, 20718791, 16826527)

Labcorp Genetics (formerly Invitae), Labcorp
Classification: Likely pathogenic for Hereditary spastic paraplegia 31. Last evaluated: 2025-08-05. Review status: criteria provided, single submitter. Criteria: Invitae Variant Classification Sherloc (09022015). Collection method: clinical testing. Allele origin: germline.
Comment: This sequence change replaces alanine, which is neutral and non-polar, with threonine, which is neutral and polar, at codon 20 of the REEP1 protein (p.Ala20Thr). This variant is present in population databases (no rsID available, gnomAD 0.0009%). This missense change has been observed in individual(s) with clinical features of REEP1-related conditions (internal data). ClinVar contains an entry for this variant (Variation ID: 1343959). Invitae Evidence Modeling of protein sequence and biophysical properties (such as structural, functional, and spatial information, amino acid conservation, physicochemical variation, residue mobility, and thermodynamic stability) indicates that this missense variant is expected to disrupt REEP1 protein function with a positive predictive value of 95%. This variant disrupts the p.Ala20 amino acid residue in REEP1. Other variant(s) that disrupt this residue have been determined to be pathogenic (PMID: 16826527, 18321925, 20718791, 22703882, 23812641, 24478229, 26201691; internal data). This suggests that this residue is clinically significant, and that variants that disrupt this residue are likely to be disease-causing. In summary, the currently available evidence indicates that the variant is pathogenic, but additional data are needed to prove that conclusively. Therefore, this variant has been classified as Likely Pathogenic.

Genome Diagnostics Laboratory, The Hospital for Sick Children
Classification: Uncertain significance for Hereditary spastic paraplegia. Last evaluated: 2018-06-01. Review status: criteria provided, single submitter. Criteria: ACMG Guidelines, 2015. Collection method: clinical testing. Allele origin: germline. Affected: yes.

Blueprint Genetics
Classification: Uncertain significance. Last evaluated: 2017-11-29. Review status: criteria provided, single submitter. Criteria: ACMG Guidelines, 2015. Collection method: clinical testing. Allele origin: germline.

Literature cited by the submitters: PubMed 16826527 (cited by Labcorp Genetics (formerly Invitae), Labcorp); PubMed 18321925 (cited by Labcorp Genetics (formerly Invitae), Labcorp); PubMed 20718791 (cited by Labcorp Genetics (formerly Invitae), Labcorp); PubMed 22703882 (cited by Labcorp Genetics (formerly Invitae), Labcorp); PubMed 23812641 (cited by Labcorp Genetics (formerly Invitae), Labcorp); PubMed 24478229 (cited by Labcorp Genetics (formerly Invitae), Labcorp); PubMed 26201691 (cited by Labcorp Genetics (formerly Invitae), Labcorp).

NM_001371279.1(REEP1):c.58G>A (p.Ala20Thr)

Gene: REEP1 (receptor accessory protein 1; minus strand). Cytogenetic location: 2p11.2.
Variant type: single nucleotide variant.
Coding change: c.58G>A on transcript NM_001371279.1 (MANE Select); coding-DNA position 58, G replaced by A.
Protein change: p.Ala20Thr; replaces alanine 20 with threonine.
Molecular consequence: missense variant. On other transcripts: intron variant (1).
Genome position (GRCh38, 1-based): chr2:86,282,217, C>T on the plus strand (G>A on the coding strand, the complement: REEP1 is on the minus strand). VCF-style: chr2-86282217-C-T. GRCh37 (hg19) VCF-style: chr2-86509340-C-T.
Other names: c.79G>A, p.Ala27Thr (NM_001164730.2); c.58G>A, p.Ala20Thr (NM_001164732.2, NM_001371280.1, NM_022912.3); c.25-18176G>A (NM_001164731.2); short protein forms A20T, A27T.
Identifiers: ClinVar variation 1343959 (VCV001343959.8), dbSNP rs1266102026, ClinGen allele CA347722697.